The following is an entry in ClinVar:

ClinVar aggregate classification (germline): Uncertain significance (1 of 4 stars; one submission).

Conditions:
Immunodeficiency 14 (IMD14A). Also called: Activated PI3K Delta Syndrome Type 1 (APDS1); p110-DELTA-ACTIVATING MUTATION CAUSING SENESCENT T CELLS, LYMPHADENOPATHY, AND IMMUNODEFICIENCY; IMMUNODEFICIENCY 14A WITH LYMPHOPROLIFERATION, AUTOSOMAL DOMINANT; ACTIVATED PI3K-DELTA SYNDROME 1. Identifiers: Orphanet 397596, Orphanet 693661, MedGen C5907821, MONDO:0014222, OMIM 615513.

Allele frequency attached by ClinVar (database versions not stated): gnomAD exomes below 0.00001; ExAC 0.00001.
gnomAD v4.1: 5 of 1,612,202 alleles (0.00031%); highest among the groups gnomAD compares: Non-Finnish European, 0.00042%; no homozygotes.

Submission:

Labcorp Genetics (formerly Invitae), Labcorp
Classification: Uncertain significance for Activated PI3K-delta syndrome. Last evaluated: 2025-02-19. Review status: criteria provided, single submitter. Criteria: Invitae Variant Classification Sherloc (09022015). Collection method: clinical testing. Allele origin: germline.
Comment: This sequence change falls in intron 18 of the PIK3CD gene. It does not directly change the encoded amino acid sequence of the PIK3CD protein. This variant is present in population databases (rs766380260, gnomAD 0.0009%). This variant has not been reported in the literature in individuals affected with PIK3CD-related conditions. ClinVar contains an entry for this variant (Variation ID: 2030659). Algorithms developed to predict the effect of sequence changes on RNA splicing suggest that this variant may disrupt the consensus splice site. In summary, the available evidence is currently insufficient to determine the role of this variant in disease. Therefore, it has been classified as a Variant of Uncertain Significance.

NM_005026.5(PIK3CD):c.2348-10G>A

Gene: PIK3CD (phosphatidylinositol-4,5-bisphosphate 3-kinase catalytic subunit delta; plus strand). Cytogenetic location: 1p36.22.
Variant type: single nucleotide variant.
Coding change: c.2348-10G>A on transcript NM_005026.5 (MANE Select); 10 bases into the intron before coding-DNA position 2348, G replaced by A.
Molecular consequence: intron variant.
Genome position (GRCh38, 1-based): chr1:9,722,518, G>A. VCF-style: chr1-9722518-G-A. GRCh37 (hg19) VCF-style: chr1-9782576-G-A.
Other names: c.2345-10G>A (NM_001350234.2); c.2261-10G>A (NM_001350235.1).
Identifiers: ClinVar variation 2030659 (VCV002030659.4), dbSNP rs766380260, ClinGen allele CA577524.